The following is an entry in ClinVar:

NM_002693.3(POLG):c.1586-5del

Genes: MIR6766 (microRNA 6766; minus strand), POLG (DNA polymerase gamma, catalytic subunit; minus strand). Cytogenetic location: 15q26.1.
Variant type: Deletion.
Coding change: c.1586-5del on transcript NM_002693.3 (MANE Select); 5 bases into the intron before coding-DNA position 1586, one base deleted (C; older notation c.1586-5delC).
Molecular consequence: intron variant. On other transcripts: non-coding transcript variant (1).
Genome position (GRCh38, 1-based): chr15:89,326,743, G deleted on the plus strand (C on the coding strand, the reverse complement: POLG is on the minus strand). VCF-style (leftmost placement, unchanged base first): chr15-89326742-TG-T. GRCh37 (hg19) VCF-style: chr15-89869973-TG-T.
Other names: p.?; c.1586-5del (NM_001126131.2); c.1586-5delC (NM_002693.2).
Identifiers: ClinVar variation 199081 (VCV000199081.34), dbSNP rs2307434, ClinGen allele CA303074.

ClinVar aggregate classification (germline): Benign/Likely benign. Review status: criteria provided, multiple submitters, no conflicts (2 of 4 stars). 11 submissions from 11 submitters: Benign (10); Likely benign (1). Last evaluated 2026-02-04.

Conditions:
Inborn genetic diseases. Identifiers: MedGen C0950123, MeSH D030342.
Progressive external ophthalmoplegia with mitochondrial DNA deletions, autosomal dominant 1 (PEOA1). Also called: PROGRESSIVE EXTERNAL OPHTHALMOPLEGIA, AUTOSOMAL DOMINANT 1; Autosomal Dominant Progressive External Ophthalmoplegia (adPEO). Identifiers: MedGen C1834846, MONDO:0024528, OMIM 157640.
Progressive external ophthalmoplegia with mitochondrial DNA deletions, autosomal recessive 1 (PEOB1). Also called: Progressive external ophthalmoplegia, autosomal recessive 1; Autosomal Recessive Progressive External Ophthalmoplegia (arPEO). Identifiers: Orphanet 254886, MedGen C4225153, MONDO:0009783, OMIM 258450.
Progressive sclerosing poliodystrophy (MTDPS4A). Also called: NEURONAL DEGENERATION OF CHILDHOOD WITH LIVER DISEASE, PROGRESSIVE; Alpers Syndrome; ALPERS DIFFUSE DEGENERATION OF CEREBRAL GRAY MATTER WITH HEPATIC CIRRHOSIS; Mitochondrial DNA depletion syndrome 4A (Alpers type); Mitochondrial DNA Depletion Syndrome 4A; Alpers-Huttenlocher Syndrome. Identifiers: Orphanet 726, MedGen C0205710, MONDO:0008758, OMIM 203700.
Sensory ataxic neuropathy, dysarthria, and ophthalmoparesis (SANDO). Also called: Epilepsy, progressive myoclonic, type 5; SENSORY ATAXIC NEUROPATHY WITH MITOCHONDRIAL DNA DELETIONS, AUTOSOMAL RECESSIVE; Ataxia Neuropathy Spectrum (ANS); Sensory ataxic neuropathy-dysarthria-ophthalmoparesis syndrome. Identifiers: Orphanet 70595, MedGen C1843851, MONDO:0011835, OMIM 607459.
Mitochondrial DNA depletion syndrome 1. Also called: POLIP SYNDROME; POLYNEUROPATHY, OPHTHALMOPLEGIA, LEUKOENCEPHALOPATHY, AND INTESTINAL PSEUDOOBSTRUCTION; Mitochondrial Neurogastrointestinal Encephalopathy Disease; MITOCHONDRIAL NEUROGASTROINTESTINAL ENCEPHALOPATHY SYNDROME, TYMP-RELATED; MNGIE, TYMP-RELATED; Mitochondrial DNA Depletion Syndrome, MNGIE Form. Identifiers: Orphanet 298, MedGen C4551995, MONDO:0011283, OMIM 603041.
Mitochondrial DNA depletion syndrome 4b. Also called: MNGIE, POLG-RELATED; Mitochondrial Neurogastrointestinal Encephalopathy Disease, POLG-Related. Identifiers: Orphanet 298, MedGen C3150914, MONDO:0013350, OMIM 613662.
Hereditary spastic paraplegia. Also called: Familial spastic paraparesis. Identifiers: Orphanet 685, MedGen C0037773, MONDO:0019064. Disease mechanism: loss of function.

Allele frequency attached by ClinVar (database versions not stated): gnomAD exomes 0.00082 and 0.00237; ExAC 0.00289; gnomAD 0.00842 and 0.00891; TOPMed 0.00944; ESP Exome Variant Server 0.00999; 1000 Genomes Project 0.01378; 1000 Genomes Project 30x 0.01640.

Submissions (11):

Labcorp Genetics (formerly Invitae), Labcorp
Classification: Benign for Progressive sclerosing poliodystrophy. Last evaluated: 2026-02-04. Review status: criteria provided, single submitter. Criteria: Invitae Variant Classification Sherloc (09022015). Collection method: clinical testing. Allele origin: germline.

Athena Diagnostics
Classification: Benign. Last evaluated: 2024-01-30. Review status: criteria provided, single submitter. Criteria: Athena Diagnostics Criteria. Collection method: clinical testing. Allele origin: unknown.

ARUP Laboratories, Molecular Genetics and Genomics, ARUP Laboratories
Classification: Benign. Last evaluated: 2023-10-20. Review status: criteria provided, single submitter. Criteria: ARUP Molecular Germline Variant Investigation Process 2024. Collection method: clinical testing. Allele origin: germline.

Mayo Clinic Laboratories, Mayo Clinic
Classification: Benign. Last evaluated: 2022-07-08. Review status: criteria provided, single submitter. Criteria: ACMG Guidelines, 2015. Collection method: clinical testing. Allele origin: germline. Observed: 41 variant alleles.
Comment: BA1, BP4, BP7

Genome Diagnostics Laboratory, The Hospital for Sick Children
Classification: Likely benign for Hereditary spastic paraplegia. Last evaluated: 2022-01-17. Review status: criteria provided, single submitter. Criteria: ACMG Guidelines, 2015. Collection method: clinical testing. Allele origin: germline. Affected: yes.

Fulgent Genetics
Classification: Benign for Progressive external ophthalmoplegia with mitochondrial DNA deletions, autosomal dominant 1; Progressive sclerosing poliodystrophy; Progressive external ophthalmoplegia with mitochondrial DNA deletions, autosomal recessive 1; Mitochondrial DNA depletion syndrome 1; Sensory ataxic neuropathy, dysarthria, and ophthalmoparesis; Mitochondrial DNA depletion syndrome 4b. Last evaluated: 2021-08-05. Review status: criteria provided, single submitter. Criteria: ACMG Guidelines, 2015. Collection method: clinical testing. Allele origin: unknown.

Wong Mito Lab, Molecular and Human Genetics, Baylor College of Medicine
Classification: Benign for Progressive sclerosing poliodystrophy. Last evaluated: 2018-10-01. Review status: criteria provided, single submitter. Criteria: ACMG Guidelines, 2015. Collection method: clinical testing. Allele origin: germline.
Comment: The NM_002693.2:c.1586-5del (NP_002684.1:p.=) [GRCH38: NC_000015.10:g.89326743del] variant in POLG gene is interpretated to be a Benign based on ACMG guidelines (PMID: 25741868). This variant meets the following evidence codes reported in the ACMG-guideline. BS1:The minor allele frequency of this allele is high for Mitochondrial DNA depletion syndrome 4A (Alpers type). BS2:Observation of the variant in controls is inconsistent with penetrance of Mitochondrial DNA depletion syndrome 4A (Alpers type). BP4:Computational evidence/predictors indicate no impact on the POLG structure, function, or protein-protein interaction. Based on the evidence criteria codes applied, the variant is suggested to be Benign.

Ambry Genetics
Classification: Benign for Inborn genetic diseases. Last evaluated: 2016-08-12. Review status: criteria provided, single submitter. Criteria: Ambry Variant Classification Scheme 2023. Collection method: clinical testing. Allele origin: germline.

Eurofins Ntd Llc (ga)
Classification: Benign. Last evaluated: 2014-07-25. Review status: criteria provided, single submitter. Criteria: EGL Classification Definitions 2015. Collection method: clinical testing. Allele origin: germline. Observed: 1 variant allele, 1 heterozygote.

GeneDx
Classification: Benign. Last evaluated: 2013-06-13. Review status: criteria provided, single submitter. Criteria: GeneDx Variant Classification (06012015). Collection method: clinical testing. Allele origin: germline. Affected: yes.
Comment: The variant is found in EPILEPSY,MITONUC-MITOP,CHILD-EPI,INFANT-EPI panel(s).

PreventionGenetics, part of Exact Sciences
Classification: Benign. Review status: criteria provided, single submitter. Criteria: ACMG Guidelines, 2015. Collection method: clinical testing. Allele origin: germline.